The following is an entry in ClinVar:

ClinVar aggregate classification (germline): Uncertain significance. Review status: reviewed by expert panel (3 of 4 stars). 17 submissions from 17 submitters: Uncertain significance (1). 16 of the submissions do not count toward it. Last evaluated 2024-05-21.

Conditions:
GAA-related disorder. Also called: GAA-related condition.
Glycogen storage disease, type II (IOPD). Also called: Glycogen storage disease type 2; Acid maltase deficiency disease; Aglucosidase alfa; Deficiency of alpha-glucosidase; Deficiency of lysosomal alpha-glucosidase; CARDIOMEGALIA GLYCOGENICA DIFFUSA. Identifiers: Orphanet 365, MedGen C0017921, MONDO:0009290, OMIM 232300.

Allele frequency attached by ClinVar (database versions not stated): TOPMed 0.00006; gnomAD 0.00007 and 0.00008; gnomAD exomes 0.00017 and 0.00027; ExAC 0.00018; ESP Exome Variant Server 0.00038.
gnomAD v4.1: 396 of 1,612,662 alleles (0.025%); highest among the groups gnomAD compares: Non-Finnish European, 0.032%; no homozygotes.

Submissions 1 to 10 of 18:

ClinGen Lysosomal Storage Disorder Variant Curation Expert Panel
Classification: Uncertain significance for Glycogen storage disease, type II. Last evaluated: 2024-05-21. Review status: reviewed by expert panel. Criteria: clingen_lsd_acmg_specifications_v2-1. Collection method: curation. Allele origin: germline. Inheritance: Autosomal recessive inheritance.
Comment: The NM_000152.5:c.1194+3G>C variant in GAA is located in the donor splice site consensus region of intron 7. The variant has been identified in four individuals, three with documented laboratory values showing GAA activity in the affected range in dried blood spots (Clinical Diagnostic Laboratories, PMID: 33073003). One of these individuals is reported to be symptomatic, with GAA activity in the affected range in dried blood spots, and absence of known pseudodeficiency variants (PP4_Moderate); this individual is compound heterozygous for the variant and another variant in GAA that has been classified as pathogenic by the ClinGen Lysosomal Diseases VCEP - c.1210G>A (p.Asp404Asn), ClinVar Variation ID: 657348, SCV002817441.1, confirmed in trans (Clinical Laboratory) (PM3). The other individuals were identified on newborn screen will not be included because it is unknown if they are clinically symptomatic or if the enzyme deficiency could be the result of pseudodeficiency. These individuals are compound heterozygous for the variant and either c.1781G>A (p.Arg594His) (in trans based on testing of one parent), ClinVar Variation ID: 972747; SCV002817431.1; c.1841C>A (p.Thr614Lys), ClinVar Variation ID: 167113, SCV001371751.1, phase unknown (Clinical Laboratory); or c.1827del (ClinVar Variation ID: 188936, SCV001371738.1) (Clinical Laboratory). The highest population minor allele frequency in gnomAD v2.1.1. is 0.0003149 (40/127034 alleles) in the European (non-Finnish) population, which is lower than the ClinGen Lysosomal Diseases VCEP’s threshold for PM2_Supporting (<0.001), meeting this criterion (PM2_Supporting). The computational predictor SpliceAI gives a score of 0.17 for loss of the intron 7 donor splice site, and a score of 0.31 for loss of the intron 6 acceptor splice site suggesting possible effect on splicing but not meeting the current SpliceAI threshold (>0.5) of the ClinGen Lysosomal Diseases VCEP (PP3 not met). There is a ClinVar entry for this variant (Variation ID: 198393). In summary, this variant meets the criteria to be classified as a variant of uncertain significance for Pompe disease. GAA-specific ACMG/AMP criteria met, as specified by the ClinGen Lysosomal Diseases VCEP (Specifications Version 2.0): PM3, PP4_Moderate, PM2_Supporting. (Classification approved by the ClinGen Lysosomal Diseases VCEP on May 21, 2024)

Genomenon, Inc
Classification: Uncertain significance for Glycogen storage disease, type II. Last evaluated: 2026-07-01. Review status: criteria provided, single submitter. Criteria: Genomenon Sequence Variant Interpretation Standards - Updated. Collection method: curation. Allele origin: germline. Affected: yes. Not counted in ClinVar's aggregate classification.
Comment: GAA c.1194+3G>C is an intronic variant located in the donor splice region of intron 7. This variant has been observed in at least one proband with a GAA-related disorder in the compound heterozygous and/or homozygous state (PMID:33073003;33202836). It is absent or not present at a significant frequency in gnomAD. In conclusion, we classify GAA c.1194+3G>C as a variant of uncertain significance.

Labcorp Genetics (formerly Invitae), Labcorp
Classification: Pathogenic for Glycogen storage disease, type II. Last evaluated: 2026-02-02. Review status: criteria provided, single submitter. Criteria: Invitae Variant Classification Sherloc (09022015). Collection method: clinical testing. Allele origin: germline. Not counted in ClinVar's aggregate classification.
Comment: This sequence change falls in intron 7 of the GAA gene. It does not directly change the encoded amino acid sequence of the GAA protein. It affects a nucleotide within the consensus splice site. This variant is present in population databases (rs368539333, gnomAD 0.03%). This variant has been observed in individual(s) with biochemical features of Pompe disease (PMID: 33073003, 33202836; External communication, internal data). In at least one individual the data is consistent with being in trans (on the opposite chromosome) from a pathogenic variant. ClinVar contains an entry for this variant (Variation ID: 198393). Variants that disrupt the consensus splice site are a relatively common cause of aberrant splicing (PMID: 17576681, 9536098). Algorithms developed to predict the effect of sequence changes on RNA splicing suggest that this variant may disrupt the consensus splice site. For these reasons, this variant has been classified as Pathogenic.

GeneDx
Classification: Uncertain significance. Last evaluated: 2025-10-06. Review status: criteria provided, single submitter. Criteria: GeneDx Variant Classification Process June 2021. Collection method: clinical testing. Allele origin: germline. Affected: yes. Not counted in ClinVar's aggregate classification.
Comment: Identified with a second variant in GAA in individuals with slightly reduced GAA activity identified on newborn screening for GSDII; these individuals were not clinically symptomatic at the time of report (PMID: 33202836, 33073003); In silico analysis supports that this variant does not alter splicing; This variant is associated with the following publications: (PMID: 33073003, 37937776, 33202836, OpalaA2024[Abstract], 40088892, 40136631)

Women's Health and Genetics/Laboratory Corporation of America, LabCorp
Classification: Likely pathogenic for Glycogen storage disease, type II. Last evaluated: 2025-04-20. Review status: criteria provided, single submitter. Criteria: LabCorp Variant Classification Summary - May 2015. Collection method: clinical testing. Allele origin: germline. Not counted in ClinVar's aggregate classification.
Comment: Variant summary: GAA c.1194+3G>C alters a conserved nucleotide located close to a canonical splice site and therefore could affect mRNA splicing, leading to a significantly altered protein sequence. Several computational tools predict a significant impact on normal splicing: One predict the variant abolishes the canonical 5' splicing donor site. Three predict the variant weakens the canonical 5' splicing donor site. Three predict the variant creates a new canonical 3' splicing acceptor site at intronic position +5. However, these predictions have yet to be confirmed by functional studies. The variant allele was found at a frequency of 0.00017 in 247840 control chromosomes. This frequency is not significantly higher than estimated for a pathogenic variant in GAA causing Glycogen Storage Disease, Type 2 (Pompe Disease) (0.00017 vs 0.0042), allowing no conclusion about variant significance. c.1194+3G>C has been observed in the literature during newborn screening in settings of low GAA activity and second pathogenic variants and biochemical features of Pompe disease and at our laboratory (Burton_2019, Ficicioglu_2020, internal data and external communication).These data indicate that the variant is likely to be associated with disease. To our knowledge, no experimental evidence demonstrating an impact on protein function has been reported. The following publications have been ascertained in the context of this evaluation (PMID: 33073003, 33202836). ClinVar contains an entry for this variant (Variation ID: 198393). Based on the evidence outlined above, the variant was classified as likely pathogenic.

Revvity Omics, Revvity
Classification: Likely pathogenic. Last evaluated: 2024-12-10. Review status: criteria provided, single submitter. Criteria: ACMG Guidelines, 2015. Collection method: clinical testing. Allele origin: germline. Not counted in ClinVar's aggregate classification.

Blueprint Genetics
Classification: Uncertain significance. Last evaluated: 2024-06-11. Review status: criteria provided, single submitter. Criteria: ACMG Guidelines, 2015. Collection method: clinical testing. Allele origin: germline. Not counted in ClinVar's aggregate classification.

Baylor Genetics
Classification: Likely pathogenic for Glycogen storage disease, type II. Last evaluated: 2024-03-25. Review status: criteria provided, single submitter. Criteria: ACMG Guidelines, 2015. Collection method: clinical testing. Allele origin: unknown. Not counted in ClinVar's aggregate classification.

Fulgent Genetics
Classification: Likely pathogenic for Glycogen storage disease, type II. Last evaluated: 2024-02-02. Review status: criteria provided, single submitter. Criteria: ACMG Guidelines, 2015. Collection method: clinical testing. Allele origin: germline. Not counted in ClinVar's aggregate classification.

CeGaT Center for Human Genetics Tuebingen
Classification: Likely benign. Last evaluated: 2024-02-01. Review status: criteria provided, single submitter. Criteria: CeGaT Center For Human Genetics Tuebingen Variant Classification Criteria Version 2. Collection method: clinical testing. Allele origin: germline. Affected: yes. Observed: 1 variant allele. Not counted in ClinVar's aggregate classification.
Comment: GAA: BP4

NM_000152.5(GAA):c.1194+3G>C

Gene: GAA (alpha glucosidase; plus strand). Cytogenetic location: 17q25.3.
Variant type: single nucleotide variant.
Coding change: c.1194+3G>C on transcript NM_000152.5 (MANE Select); 3 bases into the intron after coding-DNA position 1194, G replaced by C.
Molecular consequence: intron variant.
Genome position (GRCh38, 1-based): chr17:80,108,610, G>C. VCF-style: chr17-80108610-G-C. GRCh37 (hg19) VCF-style: chr17-78082409-G-C.
Other names: c.1194+3G>C (LRG_673t1, NM_001079803.3, NM_001079804.3 and 1 more transcripts).
Identifiers: ClinVar variation 198393 (VCV000198393.54), dbSNP rs368539333, ClinGen allele CA247031.